The following is an entry in ClinVar:

NM_015512.5(DNAH1):c.3458G>A (p.Gly1153Asp)

Gene: DNAH1 (dynein axonemal heavy chain 1; plus strand). Cytogenetic location: 3p21.1.
Variant type: single nucleotide variant.
Coding change: c.3458G>A on transcript NM_015512.5 (MANE Select); coding-DNA position 3458, G replaced by A.
Protein change: p.Gly1153Asp; replaces glycine 1153 with aspartic acid.
Molecular consequence: missense variant.
Genome position (GRCh38, 1-based): chr3:52,353,611, G>A. VCF-style: chr3-52353611-G-A. GRCh37 (hg19) VCF-style: chr3-52387627-G-A.
Other names: short protein forms G1153D.
Identifiers: ClinVar variation 1901876 (VCV001901876.2), dbSNP rs772332740, ClinGen allele CA2433570.
Genomic context (GRCh38, chr3:52,353,611, plus strand): 5'-GCCTGGAGATGAACCTGCAGGACCATATCGAGAGCATCAGCAAGGTGGCTGAGGTGGCTG[G>A]CAAGGAGTACGCCATCGAGCAGGTGGGTAGCCACCAGCGGGCCCAGCCACTCCAGCCAGG-3'
Protein context (NP_056327.4, residues 1143-1163): ESISKVAEVA[Gly1153Asp]KEYAIEQALD

ClinVar aggregate classification (germline): Uncertain significance (1 of 4 stars; one submission).

Conditions:
Spermatogenic failure 18. Identifiers: MedGen C4539783, MONDO:0054615, OMIM 617576.
Ciliary dyskinesia, primary, 37 (CILD37). Also called: CILIARY DYSKINESIA, PRIMARY, 37, WITH OR WITHOUT SITUS INVERSUS. Identifiers: MedGen C4539798, MONDO:0033204, OMIM 617577.

Allele frequency attached by ClinVar (database versions not stated): gnomAD exomes 0.00001; gnomAD 0.00002; TOPMed 0.00004.
gnomAD v4.1: 9 of 1,603,464 alleles (0.00056%); highest among the groups gnomAD compares: Admixed American, 0.01%; no homozygotes.

Submission:

Labcorp Genetics (formerly Invitae), Labcorp
Classification: Uncertain significance for Ciliary dyskinesia, primary, 37; Spermatogenic failure 18. Last evaluated: 2022-02-22. Review status: criteria provided, single submitter. Criteria: Invitae Variant Classification Sherloc (09022015). Collection method: clinical testing. Allele origin: germline.
Comment: This sequence change replaces glycine, which is neutral and non-polar, with aspartic acid, which is acidic and polar, at codon 1153 of the DNAH1 protein (p.Gly1153Asp). This variant is present in population databases (rs772332740, gnomAD 0.02%). This variant has not been reported in the literature in individuals affected with DNAH1-related conditions. Algorithms developed to predict the effect of missense changes on protein structure and function (SIFT, PolyPhen-2, Align-GVGD) all suggest that this variant is likely to be disruptive. In summary, the available evidence is currently insufficient to determine the role of this variant in disease. Therefore, it has been classified as a Variant of Uncertain Significance.